The following is an entry in ClinVar:

ClinVar aggregate classification (germline): Benign (0 of 4 stars; one submission).

Conditions:
MINPP1-related disorder. Also called: MINPP1-related condition.

Allele frequency attached by ClinVar (database versions not stated): gnomAD exomes 0.69176; ExAC 0.71759; gnomAD 0.73798; 1000 Genomes Project 0.74481; 1000 Genomes Project 30x 0.74797; TOPMed 0.75391.
gnomAD v4.1: 1,077,801 of 1,547,160 alleles (70%); highest among the groups gnomAD compares: African/African-American, 89%; 377,697 homozygotes.

Submission:

PreventionGenetics, part of Exact Sciences
Classification: Benign for MINPP1-related condition. Last evaluated: 2019-09-24. Review status: no assertion criteria provided. Collection method: clinical testing. Allele origin: germline.
Comment: This variant is classified as benign based on ACMG/AMP sequence variant interpretation guidelines (Richards et al. 2015 PMID: 25741868, with internal and published modifications).

NM_004897.5(MINPP1):c.638-136C>T

Gene: MINPP1 (multiple inositol-polyphosphate phosphatase 1; plus strand). Cytogenetic location: 10q23.2.
Variant type: single nucleotide variant.
Coding change: c.638-136C>T on transcript NM_004897.5 (MANE Select); 136 bases into the intron before coding-DNA position 638, C replaced by T.
Molecular consequence: intron variant. On other transcripts: 5 prime UTR variant (1).
Genome position (GRCh38, 1-based): chr10:87,508,200, C>T. VCF-style: chr10-87508200-C-T. GRCh37 (hg19) VCF-style: chr10-89267957-C-T.
Other names: c.-5C>T (NM_001178118.2); c.638-136C>T (NM_001178117.2).
Identifiers: ClinVar variation 3060787 (VCV003060787.2), dbSNP rs3843597, ClinGen allele CA5589055.